The following is an entry in ClinVar:

NM_000257.4(MYH7):c.4301G>T (p.Arg1434Leu)

Genes: MHRT (myosin heavy chain associated RNA transcript; plus strand), MYH7 (myosin heavy chain 7; minus strand). Cytogenetic location: 14q11.2.
Variant type: single nucleotide variant.
Coding change: c.4301G>T on transcript NM_000257.4 (MANE Select); coding-DNA position 4301, G replaced by T.
Protein change: p.Arg1434Leu; replaces arginine 1434 with leucine.
Molecular consequence: missense variant. On other transcripts: non-coding transcript variant (1).
Genome position (GRCh38, 1-based): chr14:23,417,555, C>A on the plus strand (G>T on the coding strand, the complement: MYH7 is on the minus strand). VCF-style: chr14-23417555-C-A. GRCh37 (hg19) VCF-style: chr14-23886764-C-A.
Other names: c.4301G>T, p.Arg1434Leu (NM_001407004.1); short protein forms R1434L.
Identifiers: ClinVar variation 2700508 (VCV002700508.3), dbSNP rs780625785, ClinGen allele CA389040168.

ClinVar aggregate classification (germline): Uncertain significance (1 of 4 stars; one submission).

Conditions:
Hypertrophic cardiomyopathy. Also called: HYPERTROPHIC MYOCARDIOPATHY. Identifiers: Orphanet 217569, MedGen C0007194, MeSH D002312, MONDO:0005045, HP:0001639.

Submission:

Labcorp Genetics (formerly Invitae), Labcorp
Classification: Uncertain significance for Hypertrophic cardiomyopathy. Last evaluated: 2023-12-02. Review status: criteria provided, single submitter. Criteria: Invitae Variant Classification Sherloc (09022015). Collection method: clinical testing. Allele origin: germline.
Comment: This sequence change replaces arginine, which is basic and polar, with leucine, which is neutral and non-polar, at codon 1434 of the MYH7 protein (p.Arg1434Leu). This variant is not present in population databases (gnomAD no frequency). This variant has not been reported in the literature in individuals affected with MYH7-related conditions. Advanced modeling of protein sequence and biophysical properties (such as structural, functional, and spatial information, amino acid conservation, physicochemical variation, residue mobility, and thermodynamic stability) performed at Invitae indicates that this missense variant is expected to disrupt MYH7 protein function with a positive predictive value of 95%. This variant disrupts the p.Arg1434 amino acid residue in MYH7. Other variant(s) that disrupt this residue have been determined to be pathogenic (PMID: 21750094, 24119082, 27532257; Invitae). This suggests that this residue is clinically significant, and that variants that disrupt this residue are likely to be disease-causing. In summary, the available evidence is currently insufficient to determine the role of this variant in disease. Therefore, it has been classified as a Variant of Uncertain Significance.

Literature cited by the submitters: PubMed 21750094; PubMed 24119082; PubMed 27532257.